The following is an entry in ClinVar:

ClinVar aggregate classification (germline): Conflicting classifications of pathogenicity. Review status: criteria provided, conflicting classifications (1 of 4 stars). 2 submissions from 2 submitters: Uncertain significance (1); Likely benign (1). Last evaluated 2025-10-12.

Conditions:
Cardiovascular phenotype. Identifiers: MedGen CN230736.
Duchenne muscular dystrophy (DMD). Also called: Duchenne Muscular Dystrophy (DMD); MUSCULAR DYSTROPHY, PSEUDOHYPERTROPHIC PROGRESSIVE, DUCHENNE TYPE. Identifiers: Orphanet 98896, MedGen C0013264, MONDO:0010679, OMIM 310200.

Allele frequency attached by ClinVar (database versions not stated): gnomAD exomes below 0.00001 and 0.00001; TOPMed below 0.00001; ExAC 0.00001; gnomAD 0.00002.
gnomAD v4.1: 3 of 1,207,682 alleles (0.00025%); highest among the groups gnomAD compares: Non-Finnish European, 0.00034%; no homozygotes.

Submissions (2):

Labcorp Genetics (formerly Invitae), Labcorp
Classification: Likely benign for Duchenne muscular dystrophy. Last evaluated: 2025-10-12. Review status: criteria provided, single submitter. Criteria: Invitae Variant Classification Sherloc (09022015). Collection method: clinical testing. Allele origin: germline.

Ambry Genetics
Classification: Uncertain significance for Cardiovascular phenotype. Last evaluated: 2022-05-02. Review status: criteria provided, single submitter. Criteria: Ambry Variant Classification Scheme 2023. Collection method: clinical testing. Allele origin: germline.
Comment: The p.K2026E variant (also known as c.6076A>G), located in coding exon 42 of the DMD gene, results from an A to G substitution at nucleotide position 6076. The lysine at codon 2026 is replaced by glutamic acid, an amino acid with similar properties. Based on data from gnomAD, the G allele has an overall frequency of <0.01% (2/182155) total alleles studied, with 1 hemizygote(s) observed. The highest observed frequency was <0.01% (2/81136) of Euorpean (non-Finnish) alleles. This amino acid position is well conserved in available vertebrate species. In addition, this alteration is predicted to be tolerated by in silico analysis. Since supporting evidence is limited at this time, the clinical significance of this alteration remains unclear.

NM_004006.3(DMD):c.6076A>G (p.Lys2026Glu)

Gene: DMD (dystrophin; minus strand). Cytogenetic location: Xp21.1.
Variant type: single nucleotide variant.
Coding change: c.6076A>G on transcript NM_004006.3 (MANE Select); coding-DNA position 6076, A replaced by G.
Protein change: p.Lys2026Glu; replaces lysine 2026 with glutamic acid.
Molecular consequence: missense variant.
Genome position (GRCh38, 1-based): chrX:32,310,123, T>C on the plus strand (A>G on the coding strand, the complement: DMD is on the minus strand). VCF-style: chrX-32310123-T-C. GRCh37 (hg19) VCF-style: chrX-32328240-T-C.
Other names: c.6052A>G, p.Lys2018Glu (NM_000109.4); c.6064A>G, p.Lys2022Glu (NM_004009.3); c.5707A>G, p.Lys1903Glu (NM_004010.3); c.2053A>G, p.Lys685Glu (NM_004011.4); c.2044A>G, p.Lys682Glu (NM_004012.4); short protein forms K682E, K1903E, K2022E, K2018E, K2026E, K685E.
Identifiers: ClinVar variation 939451 (VCV000939451.9), dbSNP rs772603087, ClinGen allele CA10378549.
Genomic context (GRCh38, chrX:32,310,123, plus strand): 5'-GAAAGTGCTTTGGTTTTACCTTCAGAGACTCCTCTTGCTTAAAGAGATCTTCAAAGTCCT[T>C]AGCACAGAGGTCAGGAGCATTGAGAAGTTGTTCCACTTCTAATAGGGCTTGTGAGACATG-3'
Protein context (NP_003997.2, residues 2016-2036): QLLNAPDLCA[Lys2026Glu]DFEDLFKQEE